The following is an entry in ClinVar:

ClinVar aggregate classification (germline): Benign (1 of 4 stars; one submission).

Conditions:
Dent disease type 1 (DENT1). Also called: NEPHROLITHIASIS 2; NEPHROLITHIASIS, HYPERCALCIURIC, X-LINKED. Identifiers: Orphanet 1652, Orphanet 93622, MedGen C1848336, MONDO:0010225, OMIM 300009.

Allele frequency attached by ClinVar (database versions not stated): gnomAD 0.00004 and 0.00073; TOPMed 0.00021; 1000 Genomes Project 30x 0.00645; 1000 Genomes Project 0.00662.

Submission:

Illumina Laboratory Services, Illumina
Classification: Benign for Dent disease type 1. Last evaluated: 2018-01-12. Review status: criteria provided, single submitter. Criteria: ICSL Variant Classification Criteria 13 December 2019. Collection method: clinical testing. Allele origin: germline.
Comment: This variant was observed in the ICSL laboratory as part of a predisposition screen in an ostensibly healthy population. It had not been previously curated by ICSL or reported in the Human Gene Mutation Database (HGMD: prior to June 1st, 2018), and was therefore a candidate for classification through an automated scoring system. Utilizing variant allele frequency, disease prevalence and penetrance estimates, and inheritance mode, an automated score was calculated to assess if this variant is too frequent to cause the disease. Based on the score and internal cut-off values, a variant classified as benign is not then subjected to further curation. The score for this variant resulted in a classification of benign for this disease.

NM_001127898.4(CLCN5):c.*6372T>C

Gene: CLCN5 (Cl-/H+ antiporter 5; plus strand). Cytogenetic location: Xp11.23.
Variant type: single nucleotide variant.
Coding change: c.*6372T>C on transcript NM_001127898.4 (MANE Select); 6372 bases downstream of the stop codon, T replaced by C.
Molecular consequence: 3 prime UTR variant.
Genome position (GRCh38, 1-based): chrX:50,098,591, T>C. VCF-style: chrX-50098591-T-C. GRCh37 (hg19) VCF-style: chrX-49863248-T-C.
Other names: c.*6372T>C (NM_001127899.4, NM_001282163.2, NM_000084.5).
Identifiers: ClinVar variation 368534 (VCV000368534.5), dbSNP rs573740499, ClinGen allele CA10646276.
Genomic context (GRCh38, chrX:50,098,591, plus strand): 5'-AGCCAAAGAAAACCTGTCTGACTCGACATTTTAATGCCTGAGAGTTGGTGAAAGTTCAGC[T>C]GAAGCTAATGTCTAGACATCAGCAGTAACTAGGCATCCAGAAAGTAGCTTCAACCAAAGC-3'